The following is an entry in ClinVar:

ClinVar aggregate classification (germline): Uncertain significance. Review status: criteria provided, multiple submitters, no conflicts (2 of 4 stars). 2 submissions from 2 submitters: Uncertain significance (2). Last evaluated 2022-11-03.

Conditions:
Short-rib thoracic dysplasia 14 with polydactyly (SRTD14). Identifiers: Orphanet 397715, MedGen C4225286, MONDO:0014688, OMIM 616546.
Joubert syndrome 23 (JBTS23). Identifiers: Orphanet 475, MedGen C4084822, MONDO:0014664, OMIM 616490.

Submissions (2):

Labcorp Genetics (formerly Invitae), Labcorp
Classification: Uncertain significance for Joubert syndrome 23; Short-rib thoracic dysplasia 14 with polydactyly. Last evaluated: 2022-11-03. Review status: criteria provided, single submitter. Criteria: Invitae Variant Classification Sherloc (09022015). Collection method: clinical testing. Allele origin: germline.
Comment: Advanced modeling of protein sequence and biophysical properties (such as structural, functional, and spatial information, amino acid conservation, physicochemical variation, residue mobility, and thermodynamic stability) performed at Invitae indicates that this missense variant is expected to disrupt KIAA0586 protein function. ClinVar contains an entry for this variant (Variation ID: 1437064). This variant has not been reported in the literature in individuals affected with KIAA0586-related conditions. This variant is not present in population databases (gnomAD no frequency). This sequence change replaces isoleucine, which is neutral and non-polar, with serine, which is neutral and polar, at codon 597 of the KIAA0586 protein (p.Ile597Ser). In summary, the available evidence is currently insufficient to determine the role of this variant in disease. Therefore, it has been classified as a Variant of Uncertain Significance.

Blueprint Genetics
Classification: Uncertain significance. Last evaluated: 2019-03-02. Review status: criteria provided, single submitter. Criteria: ACMG Guidelines, 2015. Collection method: clinical testing. Allele origin: germline.

NM_001329943.3(KIAA0586):c.1631T>G (p.Ile544Ser)

Gene: KIAA0586 (KIAA0586; plus strand). Cytogenetic location: 14q23.1.
Variant type: single nucleotide variant.
Coding change: c.1631T>G on transcript NM_001329943.3 (MANE Select); coding-DNA position 1631, T replaced by G.
Protein change: p.Ile544Ser; replaces isoleucine 544 with serine.
Molecular consequence: missense variant.
Genome position (GRCh38, 1-based): chr14:58,458,520, T>G. VCF-style: chr14-58458520-T-G. GRCh37 (hg19) VCF-style: chr14-58925238-T-G.
Other names: c.1790T>G, p.Ile597Ser (NM_001244189.2); c.1586T>G, p.Ile529Ser (NM_001244190.2); c.1376T>G, p.Ile459Ser (NM_001244191.2, NM_001329945.2, NM_001364700.1 and 1 more transcripts); c.1499T>G, p.Ile500Ser (NM_001244192.2); c.1211T>G, p.Ile404Ser (NM_001244193.2); c.1631T>G, p.Ile544Ser (NM_001329944.2, NM_001329946.2, NM_001329947.2 and 1 more transcripts); short protein forms I529S, I404S, I459S, I544S, I597S, I500S.
Identifiers: ClinVar variation 1437064 (VCV001437064.9), dbSNP rs2140854100, ClinGen allele CA389869406.